The following is an entry in ClinVar:

NM_001005498.4(RHBDF2):c.*511G>A

Gene: RHBDF2 (rhomboid 5 homolog 2; minus strand). Cytogenetic location: 17q25.1.
Variant type: single nucleotide variant.
Coding change: c.*511G>A on transcript NM_001005498.4 (MANE Select); 511 bases downstream of the stop codon, G replaced by A.
Molecular consequence: 3 prime UTR variant. On other transcripts: non-coding transcript variant (3).
Genome position (GRCh38, 1-based): chr17:76,471,122, C>T on the plus strand (G>A on the coding strand, the complement: RHBDF2 is on the minus strand). VCF-style: chr17-76471122-C-T. GRCh37 (hg19) VCF-style: chr17-74467204-C-T.
Other names: c.*511G>A (NM_001376228.1, NM_001376229.1, NM_001376230.1 and 1 more transcripts).
Identifiers: ClinVar variation 325408 (VCV000325408.6), dbSNP rs11553544, ClinGen allele CA10650251.
Genomic context (GRCh38, chr17:76,471,122, plus strand): 5'-GAGGTCTACTTGTGTCTCCCCCCTTGTTCTCTGCCCCCAGACCATGGCCAAAGCCTTTCC[C>T]ACAATGTCCCATCTGAGAGCCTTATGGATGGGCTCACAGGGCAGAGGTAGGAGGAGAAAG-3'

ClinVar aggregate classification (germline): Benign. Review status: criteria provided, multiple submitters, no conflicts (2 of 4 stars). 2 submissions from 2 submitters: Benign (2). Last evaluated 2018-01-13.

Conditions:
Palmoplantar keratoderma-esophageal carcinoma syndrome (TOC). Also called: KERATOSIS PALMARIS ET PLANTARIS WITH ESOPHAGEAL CANCER; PALMOPLANTAR KERATODERMA WITH ESOPHAGEAL CANCER; Tylosis with Esophageal Cancer. Identifiers: Orphanet 2198, MedGen C1835664, MONDO:0007856, OMIM 148500.

Allele frequency attached by ClinVar (database versions not stated): gnomAD 0.03430 and 0.03486; gnomAD exomes 0.03276; TOPMed 0.03339; 1000 Genomes Project 0.01897; 1000 Genomes Project 30x 0.02077.

Submissions (2):

Illumina Laboratory Services, Illumina
Classification: Benign for Palmoplantar keratoderma-esophageal carcinoma syndrome. Last evaluated: 2018-01-13. Review status: criteria provided, single submitter. Criteria: ICSL Variant Classification Criteria 13 December 2019. Collection method: clinical testing. Allele origin: germline.
Comment: This variant was observed in the ICSL laboratory as part of a predisposition screen in an ostensibly healthy population. It had not been previously curated by ICSL or reported in the Human Gene Mutation Database (HGMD: prior to June 1st, 2018), and was therefore a candidate for classification through an automated scoring system. Utilizing variant allele frequency, disease prevalence and penetrance estimates, and inheritance mode, an automated score was calculated to assess if this variant is too frequent to cause the disease. Based on the score and internal cut-off values, a variant classified as benign is not then subjected to further curation. The score for this variant resulted in a classification of benign for this disease.

Breakthrough Genomics
Classification: Benign. Review status: criteria provided, single submitter. Criteria: ACMG Guidelines, 2015. Collection method: not provided. Allele origin: germline. Inheritance: Autosomal dominant inheritance. Affected: yes.